The following is an entry in ClinVar:

ClinVar aggregate classification (germline): Uncertain significance (1 of 4 stars; one submission).

Submission:

GeneDx
Classification: Uncertain significance. Last evaluated: 2023-04-10. Review status: criteria provided, single submitter. Criteria: GeneDx Variant Classification Process June 2021. Collection method: clinical testing. Allele origin: germline. Affected: yes.
Comment: Not observed at significant frequency in large population cohorts (gnomAD); In silico analysis supports that this missense variant has a deleterious effect on protein structure/function; Has not been previously published as pathogenic or benign to our knowledge

NM_001448.3(GPC4):c.578A>T (p.Tyr193Phe)

Gene: GPC4 (glypican 4; minus strand). Cytogenetic location: Xq26.2.
Variant type: single nucleotide variant.
Coding change: c.578A>T on transcript NM_001448.3 (MANE Select); coding-DNA position 578, A replaced by T.
Protein change: p.Tyr193Phe; replaces tyrosine 193 with phenylalanine.
Molecular consequence: missense variant.
Genome position (GRCh38, 1-based): chrX:133,324,278, T>A on the plus strand (A>T on the coding strand, the complement: GPC4 is on the minus strand). VCF-style: chrX-133324278-T-A. GRCh37 (hg19) VCF-style: chrX-132458306-T-A.
Other names: short protein forms Y193F.
Identifiers: ClinVar variation 2662536 (VCV002662536.1), dbSNP rs2520448539, ClinGen allele CA414694856.